The following is an entry in ClinVar:

ClinVar aggregate classification (germline): Uncertain significance (1 of 4 stars; one submission).

Allele frequency attached by ClinVar (database versions not stated): gnomAD exomes below 0.00001.
gnomAD v4.1: 1 of 1,613,744 alleles (0.000062%); highest among the groups gnomAD compares: African/African-American, 0.0013%; no homozygotes.

Submission:

Labcorp Genetics (formerly Invitae), Labcorp
Classification: Uncertain significance. Last evaluated: 2025-11-05. Review status: criteria provided, single submitter. Criteria: Invitae Variant Classification Sherloc (09022015). Collection method: clinical testing. Allele origin: germline.
Comment: This sequence change replaces alanine, which is neutral and non-polar, with aspartic acid, which is acidic and polar, at codon 1198 of the POLE protein (p.Ala1198Asp). This variant is not present in population databases (gnomAD no frequency). This variant has not been reported in the literature in individuals affected with POLE-related conditions. ClinVar contains an entry for this variant (Variation ID: 540676). An algorithm developed to predict the effect of missense changes on protein structure and function (PolyPhen-2) suggests that this variant is likely to be tolerated. In summary, the available evidence is currently insufficient to determine the role of this variant in disease. Therefore, it has been classified as a Variant of Uncertain Significance.

NM_006231.4(POLE):c.3593C>A (p.Ala1198Asp)

Gene: POLE (DNA polymerase epsilon, catalytic subunit; minus strand). Cytogenetic location: 12q24.33.
Variant type: single nucleotide variant.
Coding change: c.3593C>A on transcript NM_006231.4 (MANE Select); coding-DNA position 3593, C replaced by A.
Protein change: p.Ala1198Asp; replaces alanine 1198 with aspartic acid.
Molecular consequence: missense variant.
Genome position (GRCh38, 1-based): chr12:132,649,879, G>T on the plus strand (C>A on the coding strand, the complement: POLE is on the minus strand). VCF-style: chr12-132649879-G-T. GRCh37 (hg19) VCF-style: chr12-133226465-G-T.
Other names: short protein forms A1198D.
Identifiers: ClinVar variation 540676 (VCV000540676.8), dbSNP rs1024652254, ClinGen allele CA246310667.